The following is an entry in ClinVar:

ClinVar aggregate classification (germline): Uncertain significance. Review status: criteria provided, multiple submitters, no conflicts (2 of 4 stars). 2 submissions from 2 submitters: Uncertain significance (2). Last evaluated 2022-10-28.

Allele frequency attached by ClinVar (database versions not stated): gnomAD exomes below 0.00001.
gnomAD v4.1: 2 of 1,614,202 alleles (0.00012%); highest among the groups gnomAD compares: Non-Finnish European, 0.00017%; no homozygotes.

Submissions (2):

Ambry Genetics
Classification: Uncertain significance. Last evaluated: 2022-10-28. Review status: criteria provided, single submitter. Criteria: Ambry Variant Classification Scheme 2023. Collection method: clinical testing. Allele origin: germline.
Comment: The p.Q665R variant (also known as c.1994A>G), located in coding exon 13 of the RINT1 gene, results from an A to G substitution at nucleotide position 1994. The glutamine at codon 665 is replaced by arginine, an amino acid with highly similar properties. This amino acid position is conserved. In addition, this alteration is predicted to be tolerated by in silico analysis. Since supporting evidence is limited at this time, the clinical significance of this alteration remains unclear.

Labcorp Genetics (formerly Invitae), Labcorp
Classification: Uncertain significance. Last evaluated: 2021-02-04. Review status: criteria provided, single submitter. Criteria: Invitae Variant Classification Sherloc (09022015). Collection method: clinical testing. Allele origin: germline.
Comment: In summary, the available evidence is currently insufficient to determine the role of this variant in disease. Therefore, it has been classified as a Variant of Uncertain Significance. Algorithms developed to predict the effect of missense changes on protein structure and function are either unavailable or do not agree on the potential impact of this missense change (SIFT: "Deleterious"; PolyPhen-2: "Benign"; Align-GVGD: "Class C0"). This variant has not been reported in the literature in individuals with RINT1-related conditions. This variant is not present in population databases (ExAC no frequency). This sequence change replaces glutamine with arginine at codon 665 of the RINT1 protein (p.Gln665Arg). The glutamine residue is highly conserved and there is a small physicochemical difference between glutamine and arginine.

NM_021930.6(RINT1):c.1994A>G (p.Gln665Arg)

Genes: EFCAB10 (EF-hand calcium binding domain 10; minus strand), RINT1 (RAD50 interactor 1; plus strand). Cytogenetic location: 7q22.3.
Variant type: single nucleotide variant.
Coding change: c.1994A>G on transcript NM_021930.6 (MANE Select); coding-DNA position 1994, A replaced by G.
Protein change: p.Gln665Arg; replaces glutamine 665 with arginine.
Molecular consequence: missense variant. On other transcripts: 3 prime UTR variant (3), non-coding transcript variant (1).
Genome position (GRCh38, 1-based): chr7:105,565,384, A>G. VCF-style: chr7-105565384-A-G. GRCh37 (hg19) VCF-style: chr7-105205831-A-G.
Other names: c.*63T>C (NM_001355526.2); c.*165T>C (NM_001355530.2); c.*18T>C (NM_001355531.2); c.1760A>G, p.Gln587Arg (NM_001346599.2); c.971A>G, p.Gln324Arg (NM_001346600.2, NM_001346603.2); c.1070A>G, p.Gln357Arg (NM_001346601.2); short protein forms Q357R, Q587R, Q324R, Q665R.
Identifiers: ClinVar variation 1037125 (VCV001037125.11), dbSNP rs1791667727, ClinGen allele CA368814853.
Genomic context (GRCh38, chr7:105,565,384, plus strand): 5'-CCAGTTCGGCTTGCCCGTTGCTGCTGACGTTACGAGACCATTTACTTCAGTTGGAGCAGC[A>G]GCTTTGTTTCTCCTTATTTAAAATTTTCTGGCAAATGCTTGTAGAGAAGCTGGATGTATA-3'
Protein context (NP_068749.3, residues 655-675): LRDHLLQLEQ[Gln665Arg]LCFSLFKIFW